The following is an entry in ClinVar:

NM_001378969.1(KCND3):c.1525G>A (p.Glu509Lys)

Gene: KCND3 (potassium voltage-gated channel subfamily D member 3; minus strand). Cytogenetic location: 1p13.2.
Variant type: single nucleotide variant.
Coding change: c.1525G>A on transcript NM_001378969.1 (MANE Select); coding-DNA position 1525, G replaced by A.
Protein change: p.Glu509Lys; replaces glutamic acid 509 with lysine.
Molecular consequence: missense variant.
Genome position (GRCh38, 1-based): chr1:111,777,267, C>T on the plus strand (G>A on the coding strand, the complement: KCND3 is on the minus strand). VCF-style: chr1-111777267-C-T. GRCh37 (hg19) VCF-style: chr1-112319889-C-T.
Other names: c.1468G>A, p.Glu490Lys (NM_001378970.1, NM_172198.3); c.1525G>A, p.Glu509Lys (NM_004980.5); short protein forms E490K, E509K.
Identifiers: ClinVar variation 1359363 (VCV001359363.8), dbSNP rs760468985, ClinGen allele CA1007391.
Genomic context (GRCh38, chr1:111,777,267, plus strand): 5'-GGTAGTTCTGCATTGAACTCTCCATGCAGTTCTGCTCAAACATCTGCTCATCAATAAACT[C>T]GTGGTTCTGCGGGAGGCAGAAGGAGAAGAAGTAGGAAAAGGAGGTAGGGAGGAGAGAGGT-3'
Protein context (NP_001365898.1, residues 499-519): SVRTSTIKNH[Glu509Lys]FIDEQMFEQN

ClinVar aggregate classification (germline): Uncertain significance (1 of 4 stars; one submission).

Conditions:
Spinocerebellar ataxia type 19/22 (SCA19). Also called: SPINOCEREBELLAR ATAXIA 19; SPINOCEREBELLAR ATAXIA 22. Identifiers: Orphanet 98772, MedGen C1846367, MONDO:0011819, OMIM 607346.

Allele frequency attached by ClinVar (database versions not stated): ExAC 0.00001; gnomAD 0.00001; gnomAD exomes 0.00001.

Submission:

Labcorp Genetics (formerly Invitae), Labcorp
Classification: Uncertain significance for Spinocerebellar ataxia type 19/22. Last evaluated: 2024-08-14. Review status: criteria provided, single submitter. Criteria: Invitae Variant Classification Sherloc (09022015). Collection method: clinical testing. Allele origin: germline.
Comment: This sequence change replaces glutamic acid, which is acidic and polar, with lysine, which is basic and polar, at codon 509 of the KCND3 protein (p.Glu509Lys). This variant is present in population databases (rs760468985, gnomAD 0.002%). This variant has not been reported in the literature in individuals affected with KCND3-related conditions. ClinVar contains an entry for this variant (Variation ID: 1359363). Invitae Evidence Modeling of protein sequence and biophysical properties (such as structural, functional, and spatial information, amino acid conservation, physicochemical variation, residue mobility, and thermodynamic stability) indicates that this missense variant is not expected to disrupt KCND3 protein function with a negative predictive value of 80%. In summary, the available evidence is currently insufficient to determine the role of this variant in disease. Therefore, it has been classified as a Variant of Uncertain Significance.